The following is an entry in ClinVar:

ClinVar aggregate classification (germline): Pathogenic (1 of 4 stars; one submission).

Conditions:
Hydrocephalus, nonsyndromic, autosomal recessive 1 (HYC1). Also called: Hydrocephalus, nonsyndromic, autosomal recessive; Congenital hydrocephalus 1. Identifiers: Orphanet 2185, MedGen C3887608, MONDO:0009360, OMIM 236600.

Submission:

Myriad Genetics, Inc.
Classification: Pathogenic for Hydrocephalus, nonsyndromic, autosomal recessive 1. Last evaluated: 2026-08-09. Review status: criteria provided, single submitter. Criteria: Myriad Autosomal Dominant, Autosomal Recessive and X-Linked Classification Criteria (2023). Collection method: clinical testing. Allele origin: unknown.
Comment: NM_001080414.3(CCDC88C):c.1106_1109delAGCT(Q369Rfs*21) is expected to be pathogenic in the context of congenital hydrocephalus, CCDC88C-related. This variant is predicted to lead to an abnormal or absent protein product due to the creation of a premature termination codon in CCDC88C, a gene where loss-of-function variants are known to be pathogenic. Please note: this variant was assessed in the context of healthy population screening.

NM_001080414.4(CCDC88C):c.1106_1109del (p.Gln369fs)

Gene: CCDC88C (coiled-coil and HOOK domain protein 88C; minus strand). Cytogenetic location: 14q32.11.
Variant type: Deletion.
Coding change: c.1106_1109del on transcript NM_001080414.4 (MANE Select); coding-DNA positions 1106 to 1109, 4 bases deleted (AGCT; older notation c.1106_1109delAGCT).
Protein change: p.Gln369fs; shifts the reading frame from glutamine 369.
Molecular consequence: frameshift variant. On other transcripts: non-coding transcript variant (2).
Genome position (GRCh38, 1-based): chr14:91,325,998-91,326,001, AGCT deleted on the plus strand (AGCT on the coding strand, the reverse complement: CCDC88C is on the minus strand). VCF-style (leftmost placement, unchanged base first): chr14-91325997-CAGCT-C. GRCh37 (hg19) VCF-style: chr14-91792341-CAGCT-C.
Other names: short protein forms Q369fs.
Identifiers: ClinVar variation 5016224 (VCV005016224.1).